The following is an entry in ClinVar:

ClinVar aggregate classification (germline): Likely benign (1 of 4 stars; one submission).

gnomAD v4.1: 47 of 1,613,146 alleles (0.0029%); highest among the groups gnomAD compares: South Asian, 0.011%; no homozygotes.

Submission:

CeGaT Center for Human Genetics Tuebingen
Classification: Likely benign. Last evaluated: 2026-09-01. Review status: criteria provided, single submitter. Criteria: CeGaT Center For Human Genetics Tuebingen Variant Classification Criteria Version 2. Collection method: clinical testing. Allele origin: germline. Affected: yes. Observed: 1 variant allele.
Comment: PROM2: BP4, BP7

NM_001165978.3(PROM2):c.1503C>T (p.Asn501=)

Gene: PROM2 (prominin 2; plus strand). Cytogenetic location: 2q11.1.
Variant type: single nucleotide variant.
Coding change: c.1503C>T on transcript NM_001165978.3 (MANE Select); coding-DNA position 1503, C replaced by T.
Protein change: p.Asn501=; no amino-acid change (asparagine 501 retained).
Molecular consequence: synonymous variant.
Genome position (GRCh38, 1-based): chr2:95,281,317, C>T. VCF-style: chr2-95281317-C-T. GRCh37 (hg19) VCF-style: chr2-95947065-C-T.
Other names: c.1503C>T, p.Asn501= (NM_001165977.3, NM_144707.4); c.465C>T, p.Asn155= (NM_001321070.2).
Identifiers: ClinVar variation 5040988 (VCV005040988.1).